The following is an entry in ClinVar:

ClinVar aggregate classification (germline): Uncertain significance (1 of 4 stars; one submission).

Conditions:
Autosomal recessive early-onset Parkinson disease 6 (PARK6). Also called: PARKINSON DISEASE 6, EARLY-ONSET; PARKINSON DISEASE 6, MODIFIER OF; PINK1-Related Parkinson Disease; PINK1 Type of Young-Onset Parkinson Disease. Identifiers: Orphanet 2828, MedGen C1853833, MONDO:0011613, OMIM 605909.

Allele frequency attached by ClinVar (database versions not stated): TOPMed 0.00001; gnomAD exomes 0.00002.
gnomAD v4.1: 24 of 1,613,960 alleles (0.0015%); highest among the groups gnomAD compares: Non-Finnish European, 0.0018%; no homozygotes.

Submission:

Labcorp Genetics (formerly Invitae), Labcorp
Classification: Uncertain significance for Autosomal recessive early-onset Parkinson disease 6. Last evaluated: 2022-04-11. Review status: criteria provided, single submitter. Criteria: Invitae Variant Classification Sherloc (09022015). Collection method: clinical testing. Allele origin: germline.
Comment: This sequence change replaces alanine, which is neutral and non-polar, with threonine, which is neutral and polar, at codon 504 of the PINK1 protein (p.Ala504Thr). The frequency data for this variant in the population databases is considered unreliable, as metrics indicate poor data quality at this position in the gnomAD database. This variant has not been reported in the literature in individuals affected with PINK1-related conditions. Algorithms developed to predict the effect of missense changes on protein structure and function are either unavailable or do not agree on the potential impact of this missense change (SIFT: "Deleterious"; PolyPhen-2: "Probably Damaging"; Align-GVGD: "Class C0"). In summary, the available evidence is currently insufficient to determine the role of this variant in disease. Therefore, it has been classified as a Variant of Uncertain Significance.

NM_032409.3(PINK1):c.1510G>A (p.Ala504Thr)

Genes: PINK1 (PTEN induced kinase 1; plus strand), PINK1-AS (PINK1 antisense RNA; minus strand). Cytogenetic location: 1p36.12.
Variant type: single nucleotide variant.
Coding change: c.1510G>A on transcript NM_032409.3 (MANE Select); coding-DNA position 1510, G replaced by A.
Protein change: p.Ala504Thr; replaces alanine 504 with threonine.
Molecular consequence: missense variant. On other transcripts: non-coding transcript variant (1).
Genome position (GRCh38, 1-based): chr1:20,650,455, G>A. VCF-style: chr1-20650455-G-A. GRCh37 (hg19) VCF-style: chr1-20976948-G-A.
Other names: short protein forms A504T.
Identifiers: ClinVar variation 2172555 (VCV002172555.1), dbSNP rs779294259, ClinGen allele CA660870.
Genomic context (GRCh38, chr1:20,650,455, plus strand): 5'-TAACAGATGTTCTAGCTACAGCTTCCCTTCCTGTTGCAGAGACCATCTGCCCGAGTAGCC[G>A]CAAATGTGCTTCATCTAAGCCTCTGGGGTGAACATATTCTAGCCCTGAAGAATCTGAAGT-3'
Protein context (NP_115785.1, residues 494-514): ASKRPSARVA[Ala504Thr]NVLHLSLWGE